The following is an entry in ClinVar:

ClinVar aggregate classification (germline): Benign. Review status: criteria provided, multiple submitters, no conflicts (2 of 4 stars). 7 submissions from 7 submitters: Benign (7). Last evaluated 2026-02-04.

Conditions:
Cardiovascular phenotype. Identifiers: MedGen CN230736.
Brugada syndrome. Also called: Sudden unexpected nocturnal death syndrome; Sudden unexplained nocturnal death syndrome; Sudden Unexplained Death Syndrome; Sudden Unexplained Nocturnal Death Syndrome (SUNDS). Identifiers: Orphanet 130, MedGen C1142166, MONDO:0015263.

Allele frequency attached by ClinVar (database versions not stated): 1000 Genomes Project 30x 0.01921; 1000 Genomes Project 0.01937; TOPMed 0.02853; ESP Exome Variant Server 0.03260; gnomAD 0.03415 and 0.03521; gnomAD exomes 0.03748 and 0.04013; ExAC 0.03851.
gnomAD v4.1: 63,667 of 1,612,970 alleles (3.9%); highest among the groups gnomAD compares: Middle Eastern, 4.4%; 1,550 homozygotes.

Submissions (7):

Labcorp Genetics (formerly Invitae), Labcorp
Classification: Benign for Brugada syndrome. Last evaluated: 2026-02-04. Review status: criteria provided, single submitter. Criteria: Invitae Variant Classification Sherloc (09022015). Collection method: clinical testing. Allele origin: germline.

Athena Diagnostics
Classification: Benign. Last evaluated: 2017-06-30. Review status: criteria provided, single submitter. Criteria: Athena Diagnostics Criteria. Collection method: clinical testing. Allele origin: germline.

GeneDx
Classification: Benign. Last evaluated: 2016-09-30. Review status: criteria provided, single submitter. Criteria: GeneDx Variant Classification (06012015). Collection method: clinical testing. Allele origin: germline. Affected: yes.
Comment: This variant is considered likely benign or benign based on one or more of the following criteria: it is a conservative change, it occurs at a poorly conserved position in the protein, it is predicted to be benign by multiple in silico algorithms, and/or has population frequency not consistent with disease.

Mayo Clinic Laboratories, Mayo Clinic
Classification: Benign. Last evaluated: 2016-05-11. Review status: criteria provided, single submitter. Criteria: ACMG Guidelines, 2015. Collection method: clinical testing. Allele origin: germline. Observed: 54 variant alleles.

Ambry Genetics
Classification: Benign for Cardiovascular phenotype. Last evaluated: 2015-06-11. Review status: criteria provided, single submitter. Criteria: Ambry Variant Classification Scheme 2023. Collection method: clinical testing. Allele origin: germline.

Breakthrough Genomics
Classification: Benign. Review status: criteria provided, single submitter. Criteria: ACMG Guidelines, 2015. Collection method: not provided. Allele origin: germline. Inheritance: Autosomal recessive inheritance. Affected: yes.

PreventionGenetics, part of Exact Sciences
Classification: Benign. Review status: criteria provided, single submitter. Criteria: ACMG Guidelines, 2015. Collection method: clinical testing. Allele origin: germline.

NM_000722.4(CACNA2D1):c.963G>A (p.Ala321=)

Gene: CACNA2D1 (calcium voltage-gated channel auxiliary subunit alpha2delta 1; minus strand). Cytogenetic location: 7q21.11.
Variant type: single nucleotide variant.
Coding change: c.963G>A on transcript NM_000722.4 (MANE Select); coding-DNA position 963, G replaced by A.
Protein change: p.Ala321=; no amino-acid change (alanine 321 retained).
Molecular consequence: synonymous variant.
Genome position (GRCh38, 1-based): chr7:82,038,152, C>T on the plus strand (G>A on the coding strand, the complement: CACNA2D1 is on the minus strand). VCF-style: chr7-82038152-C-T. GRCh37 (hg19) VCF-style: chr7-81667468-C-T.
Other names: p.Ala321=; c.963G>A, p.Ala321= (NM_001366867.1); c.963G>A (LRG_437t1).
Identifiers: ClinVar variation 256769 (VCV000256769.18), dbSNP rs2229952, ClinGen allele CA4318172.
Genomic context (GRCh38, chr7:82,038,152, plus strand): 5'-AAAAGCAAAACTAAAGCCCTTCTTATAATCTGTAATTCCTTTGGCTGTGATATTATTCAC[C>T]GCGTCTTTCAACACTTTTTTATTTCTTACATTTGCTTGGACAAGGTGCTGAAAACAGCTT-3'
Protein context (NP_000713.2, residues 311-331): NVRNKKVLKD[Ala321=]VNNITAKGIT